The following is an entry in ClinVar:

ClinVar aggregate classification (germline): Benign/Likely benign. Review status: criteria provided, multiple submitters, no conflicts (2 of 4 stars). 5 submissions from 5 submitters: Benign (1); Likely benign (3). 1 of the submissions does not count toward it. Last evaluated 2025-07-07.

Conditions:
Familial cancer of breast. Also called: Hereditary breast cancer; BREAST CANCER, FAMILIAL; hereditary breast carcinoma. Identifiers: Orphanet 227535, MedGen C0346153, MONDO:0016419, OMIM 114480. Disease mechanism: loss of function.
Ataxia-telangiectasia syndrome (AT). Also called: Ataxia-telangiectasia, complementation group D; AT, COMPLEMENTATION GROUP C; ATAXIA-TELANGIECTASIA, COMPLEMENTATION GROUP A; ATAXIA-TELANGIECTASIA, FRESNO VARIANT; Ataxia-telangiectasia; LOUIS-BAR SYNDROME. Identifiers: Orphanet 100, MedGen C0004135, MONDO:0008840, OMIM 208900.
Hereditary cancer-predisposing syndrome. Also called: Tumor predisposition; Hereditary neoplastic syndrome; Neoplastic Syndromes, Hereditary; Hereditary Cancer Syndrome. Identifiers: Orphanet 140162, MedGen C0027672, MeSH D009386, MONDO:0015356.

Allele frequency attached by ClinVar (database versions not stated): gnomAD exomes 0.00001.
gnomAD v4.1: 9 of 1,613,678 alleles (0.00056%); highest among the groups gnomAD compares: Non-Finnish European, 0.00076%; no homozygotes.

Submissions (5):

Labcorp Genetics (formerly Invitae), Labcorp
Classification: Likely benign for Ataxia-telangiectasia syndrome. Last evaluated: 2025-07-07. Review status: criteria provided, single submitter. Criteria: Invitae Variant Classification Sherloc (09022015). Collection method: clinical testing. Allele origin: germline.

Myriad Genetics, Inc.
Classification: Benign for Familial cancer of breast. Last evaluated: 2024-06-10. Review status: criteria provided, single submitter. Criteria: Myriad Autosomal Dominant, Autosomal Recessive and X-Linked Classification Criteria (2023). Collection method: clinical testing. Allele origin: unknown.
Comment: This variant is considered benign. This variant is a silent/synonymous amino acid change and it is not expected to impact splicing.

Color Diagnostics, LLC DBA Color Health
Classification: Likely benign for Hereditary cancer-predisposing syndrome. Last evaluated: 2023-03-15. Review status: criteria provided, single submitter. Criteria: ACMG Guidelines, 2015. Collection method: clinical testing. Allele origin: germline.

Ambry Genetics
Classification: Likely benign for Hereditary cancer-predisposing syndrome. Last evaluated: 2018-12-20. Review status: criteria provided, single submitter. Criteria: Ambry Variant Classification Scheme 2023. Collection method: clinical testing. Allele origin: germline.

Natera, Inc.
Classification: Likely benign for Ataxia-telangiectasia. Last evaluated: 2021-09-16. Review status: no assertion criteria provided. Collection method: clinical testing. Allele origin: germline. Not counted in ClinVar's aggregate classification.

NM_000051.4(ATM):c.6687C>A (p.Val2229=)

Genes: ATM (ATM serine/threonine kinase; plus strand), C11orf65 (chromosome 11 open reading frame 65; minus strand). Cytogenetic location: 11q22.3.
Variant type: single nucleotide variant.
Coding change: c.6687C>A on transcript NM_000051.4 (MANE Select); coding-DNA position 6687, C replaced by A.
Protein change: p.Val2229=; no amino-acid change (valine 2229 retained).
Molecular consequence: synonymous variant. On other transcripts: intron variant (2).
Genome position (GRCh38, 1-based): chr11:108,325,424, C>A. VCF-style: chr11-108325424-C-A. GRCh37 (hg19) VCF-style: chr11-108196151-C-A.
Other names: c.6687C>A, p.Val2229= (NM_001351834.2); c.641-16353G>T (NM_001330368.2); c.*38+9796G>T (NM_001351110.2).
Identifiers: ClinVar variation 699910 (VCV000699910.25), dbSNP rs1442555144, ClinGen allele CA476745407.